The following is an entry in ClinVar:

NM_005324.5(H3-3B):c.344C>T (p.Ala115Val)

Gene: H3-3B (H3.3 histone B; minus strand). Cytogenetic location: 17q25.1.
Variant type: single nucleotide variant.
Coding change: c.344C>T on transcript NM_005324.5 (MANE Select); coding-DNA position 344, C replaced by T.
Protein change: p.Ala115Val; replaces alanine 115 with valine.
Molecular consequence: missense variant.
Genome position (GRCh38, 1-based): chr17:75,778,662, G>A on the plus strand (C>T on the coding strand, the complement: H3-3B is on the minus strand). VCF-style: chr17-75778662-G-A. GRCh37 (hg19) VCF-style: chr17-73774743-G-A.
Other names: short protein forms A115V.
Identifiers: ClinVar variation 3365608 (VCV003365608.1).

ClinVar aggregate classification (germline): Uncertain significance (1 of 4 stars; one submission).

Submission:

GeneDx
Classification: Uncertain significance. Last evaluated: 2024-01-04. Review status: criteria provided, single submitter. Criteria: GeneDx Variant Classification Process June 2021. Collection method: clinical testing. Allele origin: germline. Affected: yes.
Comment: Not observed at significant frequency in large population cohorts (gnomAD); In silico analysis supports that this missense variant has a deleterious effect on protein structure/function; Has not been previously published as pathogenic or benign to our knowledge